The following is an entry in ClinVar:

NM_199355.4(ADAMTS18):c.3509G>A (p.Arg1170Gln)

Genes: ADAMTS18 (ADAM metallopeptidase with thrombospondin type 1 motif 18; minus strand), LOC126862407 (CDK7 strongly-dependent group 2 enhancer GRCh37_chr16:77322970-77324169; plus strand). Cytogenetic location: 16q23.1.
Variant type: single nucleotide variant.
Coding change: c.3509G>A on transcript NM_199355.4 (MANE Select); coding-DNA position 3509, G replaced by A.
Protein change: p.Arg1170Gln; replaces arginine 1170 with glutamine.
Molecular consequence: missense variant.
Genome position (GRCh38, 1-based): chr16:77,289,305, C>T on the plus strand (G>A on the coding strand, the complement: ADAMTS18 is on the minus strand). VCF-style: chr16-77289305-C-T. GRCh37 (hg19) VCF-style: chr16-77323202-C-T.
Other names: c.2993G>A, p.Arg998Gln (NM_001326358.2); c.3509G>A (NM_199355.2); short protein forms R998Q, R1170Q.
Identifiers: ClinVar variation 1896606 (VCV001896606.4), dbSNP rs775981977, ClinGen allele CA8180404.
Genomic context (GRCh38, chr16:77,289,305, plus strand): 5'-GAGCATGGTGCCTTTTTACCTCTCTTTTCAGGAGCTGGACAGAAGTTTGTATTACAGGCT[C>T]GTAGCACCGGAGGTTTCTGATGGAGCAGACAACTTGAGGAAGGCCGGCCTTGCTGAACAC-3'
Protein context (NP_955387.1, residues 1160-1180): CLLHQKPPVL[Arg1170Gln]ACNTNFCPAP

ClinVar aggregate classification (germline): Uncertain significance. Review status: criteria provided, multiple submitters, no conflicts (2 of 4 stars). 2 submissions from 2 submitters: Uncertain significance (2). Last evaluated 2025-10-28.

Conditions:
Inborn genetic diseases. Identifiers: MedGen C0950123, MeSH D030342.

Allele frequency attached by ClinVar (database versions not stated): gnomAD 0.00001; ExAC 0.00002; TOPMed 0.00002.
gnomAD v4.1: 44 of 1,614,004 alleles (0.0027%); highest among the groups gnomAD compares: East Asian, 0.0067%; no homozygotes.

Submissions (2):

Ambry Genetics
Classification: Uncertain significance for Inborn genetic diseases. Last evaluated: 2025-10-28. Review status: criteria provided, single submitter. Criteria: Ambry Variant Classification Scheme 2023. Collection method: clinical testing. Allele origin: germline.

Labcorp Genetics (formerly Invitae), Labcorp
Classification: Uncertain significance. Last evaluated: 2022-08-09. Review status: criteria provided, single submitter. Criteria: Invitae Variant Classification Sherloc (09022015). Collection method: clinical testing. Allele origin: germline.
Comment: In summary, the available evidence is currently insufficient to determine the role of this variant in disease. Therefore, it has been classified as a Variant of Uncertain Significance. Algorithms developed to predict the effect of missense changes on protein structure and function output the following: SIFT: "Not Available"; PolyPhen-2: "Benign"; Align-GVGD: "Not Available". The glutamine amino acid residue is found in multiple mammalian species, which suggests that this missense change does not adversely affect protein function. This variant has not been reported in the literature in individuals affected with ADAMTS18-related conditions. This variant is present in population databases (rs775981977, gnomAD 0.006%). This sequence change replaces arginine, which is basic and polar, with glutamine, which is neutral and polar, at codon 1170 of the ADAMTS18 protein (p.Arg1170Gln).